The following is an entry in ClinVar:

ClinVar aggregate classification (germline): Likely benign (1 of 4 stars; one submission).

gnomAD v4.1: 12 of 1,363,500 alleles (0.00088%); highest among the groups gnomAD compares: South Asian, 0.0032%; no homozygotes.

Submission:

Mayo Clinic Laboratories, Mayo Clinic
Classification: Likely benign. Last evaluated: 2025-06-05. Review status: criteria provided, single submitter. Criteria: ACMG Guidelines, 2015. Collection method: clinical testing. Allele origin: germline. Observed: 1 variant allele.
Comment: BP4, BP7

NM_001042472.3(ABHD12):c.-10C>A

Genes: ABHD12 (abhydrolase domain containing 12, lysophospholipase; minus strand), LOC130065586 (ATAC-STARR-seq lymphoblastoid silent region 12752; plus strand). Cytogenetic location: 20p11.21.
Variant type: single nucleotide variant.
Coding change: c.-10C>A on transcript NM_001042472.3 (MANE Select); 10 bases upstream of the start codon, C replaced by A.
Molecular consequence: 5 prime UTR variant.
Genome position (GRCh38, 1-based): chr20:25,390,713, G>T on the plus strand (C>A on the coding strand, the complement: ABHD12 is on the minus strand). VCF-style: chr20-25390713-G-T. GRCh37 (hg19) VCF-style: chr20-25371349-G-T.
Other names: c.-10C>A (NM_015600.5).
Identifiers: ClinVar variation 4684416 (VCV004684416.1).